The following is an entry in ClinVar:

ClinVar aggregate classification (germline): Uncertain significance (1 of 4 stars; one submission).

Conditions:
Epilepsy, familial focal, with variable foci 3 (FFEVF3). Identifiers: MedGen C4310708, MONDO:0014925, OMIM 617118.

Submission:

Labcorp Genetics (formerly Invitae), Labcorp
Classification: Uncertain significance for Epilepsy, familial focal, with variable foci 3. Last evaluated: 2021-11-27. Review status: criteria provided, single submitter. Criteria: Invitae Variant Classification Sherloc (09022015). Collection method: clinical testing. Allele origin: germline.
Comment: This variant is not present in population databases (gnomAD no frequency). This variant has not been reported in the literature in individuals affected with NPRL3-related conditions. Experimental studies and prediction algorithms are not available or were not evaluated, and the functional significance of this variant is currently unknown. In summary, the available evidence is currently insufficient to determine the role of this variant in disease. Therefore, it has been classified as a Variant of Uncertain Significance. This sequence change replaces alanine, which is neutral and non-polar, with serine, which is neutral and polar, at codon 504 of the NPRL3 protein (p.Ala504Ser).

NM_001077350.3(NPRL3):c.1510G>T (p.Ala504Ser)

Genes: HBA-LCR (alpha-globin locus control region; plus strand), NPRL3 (NPR3 like, GATOR1 complex subunit; minus strand). Cytogenetic location: 16p13.3.
Variant type: single nucleotide variant.
Coding change: c.1510G>T on transcript NM_001077350.3 (MANE Select); coding-DNA position 1510, G replaced by T.
Protein change: p.Ala504Ser; replaces alanine 504 with serine.
Molecular consequence: missense variant.
Genome position (GRCh38, 1-based): chr16:88,732, C>A on the plus strand (G>T on the coding strand, the complement: NPRL3 is on the minus strand). VCF-style: chr16-88732-C-A. GRCh37 (hg19) VCF-style: chr16-138731-C-A.
Other names: c.973G>T, p.Ala325Ser (NM_001039476.3); c.1276G>T, p.Ala426Ser (NM_001243247.2); c.1435G>T, p.Ala479Ser (NM_001243248.2, NM_001243249.2); short protein forms A426S, A479S, A504S, A325S.
Identifiers: ClinVar variation 2004618 (VCV002004618.4), dbSNP rs2542798854, ClinGen allele CA394048326.